The following is an entry in ClinVar:

ClinVar aggregate classification (germline): Uncertain significance (1 of 4 stars; one submission).

Conditions:
Combined immunodeficiency due to DOCK8 deficiency (HIES2). Also called: HIES autosomal recessive; DOCK8 Deficiency; Hyper-IgE recurrent infection syndrome, autosomal recessive; HYPER-IgE RECURRENT INFECTION SYNDROME 2, AUTOSOMAL RECESSIVE; HYPER-IgE SYNDROME 2, AUTOSOMAL RECESSIVE, WITH RECURRENT INFECTIONS. Identifiers: Orphanet 217390, MedGen C4722305, MONDO:0009478, OMIM 243700.

Allele frequency attached by ClinVar (database versions not stated): gnomAD exomes below 0.00001.
gnomAD v4.1: 1 of 1,614,202 alleles (0.000062%); highest among the groups gnomAD compares: Non-Finnish European, 0.000085%; no homozygotes.

Submission:

Labcorp Genetics (formerly Invitae), Labcorp
Classification: Uncertain significance for Hyper-Immunoglobulin E Syndrome, Autosomal Recessive. Last evaluated: 2019-09-26. Review status: criteria provided, single submitter. Criteria: Invitae Variant Classification Sherloc (09022015). Collection method: clinical testing. Allele origin: germline.
Comment: This sequence change falls in intron 17 of the DOCK8 gene. It does not directly change the encoded amino acid sequence of the DOCK8 protein, but it affects a nucleotide within the consensus splice site of the intron. This variant is not present in population databases (ExAC no frequency). This variant has not been reported in the literature in individuals with DOCK8-related conditions. Nucleotide substitutions within the consensus splice site are a relatively common cause of aberrant splicing (PMID: 17576681, 9536098). Algorithms developed to predict the effect of sequence changes on RNA splicing suggest that this variant may disrupt the consensus splice site, but this prediction has not been confirmed by published transcriptional studies. In summary, the available evidence is currently insufficient to determine the role of this variant in disease. Therefore, it has been classified as a Variant of Uncertain Significance.

NM_203447.4(DOCK8):c.2007+5G>A

Gene: DOCK8 (dedicator of cytokinesis 8; plus strand). Cytogenetic location: 9p24.3.
Variant type: single nucleotide variant.
Coding change: c.2007+5G>A on transcript NM_203447.4 (MANE Select); 5 bases into the intron after coding-DNA position 2007, G replaced by A.
Molecular consequence: intron variant.
Genome position (GRCh38, 1-based): chr9:371,571, G>A. VCF-style: chr9-371571-G-A. GRCh37 (hg19) VCF-style: chr9-371571-G-A.
Other names: c.1803+5G>A (NM_001193536.2, NM_001190458.2).
Identifiers: ClinVar variation 960460 (VCV000960460.1), dbSNP rs2053286759, ClinGen allele CA1139660842.
Genomic context (GRCh38, chr9:371,571, plus strand): 5'-ATATCAGCTGTCAGCAGAAGCAAGGAGCCTCCGTGGAAACTCTCCTGGGATATTCAGTGA[G>A]TTGTTTCCAGCCTGCTGACTCACACTGCAGTTGTTGGTGCATCTGAGGTCCCTGCAGAGA-3'